The following is an entry in ClinVar:

NM_001394998.1(TANC2):c.4167+2dup

Gene: TANC2 (tetratricopeptide repeat, ankyrin repeat and coiled-coil containing 2; plus strand). Cytogenetic location: 17q23.3.
Variant type: Duplication.
Coding change: c.4167+2dup on transcript NM_001394998.1 (MANE Select); the canonical splice donor site of the intron after coding-DNA position 4167, one base duplicated (T; older notation c.4167+2dupT).
Molecular consequence: splice donor variant.
Genome position (GRCh38, 1-based): chr17:63,415,676, T duplicated. VCF-style (leftmost placement, unchanged base first): chr17-63415675-G-GT. GRCh37 (hg19) VCF-style: chr17-61493036-G-GT.
Other names: c.3945+2dup (NM_001411076.1); c.3915+2dup (NM_025185.4).
Identifiers: ClinVar variation 4527997 (VCV004527997.1).

ClinVar aggregate classification (germline): Uncertain significance (1 of 4 stars; one submission).

Submission:

GeneDx
Classification: Uncertain significance. Last evaluated: 2025-05-08. Review status: criteria provided, single submitter. Criteria: GeneDx Variant Classification Process June 2021. Collection method: clinical testing. Allele origin: germline. Affected: yes.
Comment: Canonical splice site variant predicted to result in an in-frame loss of the adjacent exon in a gene for which loss of function is a known mechanism of disease; Has not been previously published as pathogenic or benign to our knowledge